The following is an entry in ClinVar:

ClinVar aggregate classification (germline): Conflicting classifications of pathogenicity. Review status: criteria provided, conflicting classifications (1 of 4 stars). 2 submissions from 2 submitters: Uncertain significance (1); Likely benign (1). Last evaluated 2024-12-10.

Conditions:
Bloom syndrome (BLM). Also called: Bloom-Torre-Machacek syndrome. Identifiers: Orphanet 125, MedGen C0005859, MONDO:0008876, OMIM 210900.
Hereditary cancer-predisposing syndrome. Also called: Tumor predisposition; Neoplastic Syndromes, Hereditary; Hereditary neoplastic syndrome; Hereditary Cancer Syndrome. Identifiers: Orphanet 140162, MedGen C0027672, MeSH D009386, MONDO:0015356.

Submissions (2):

Ambry Genetics
Classification: Uncertain significance for Hereditary cancer-predisposing syndrome. Last evaluated: 2024-12-10. Review status: criteria provided, single submitter. Criteria: Ambry Variant Classification Scheme 2023. Collection method: clinical testing. Allele origin: germline.
Comment: The p.D795E variant (also known as c.2385T>G), located in coding exon 10 of the BLM gene, results from a T to G substitution at nucleotide position 2385. The aspartic acid at codon 795 is replaced by glutamic acid, an amino acid with highly similar properties. This amino acid position is conserved. In addition, this alteration is predicted to be deleterious by in silico analysis. Based on the available evidence, the clinical significance of this variant remains unclear.

Labcorp Genetics (formerly Invitae), Labcorp
Classification: Likely benign for Bloom syndrome. Last evaluated: 2024-08-28. Review status: criteria provided, single submitter. Criteria: Invitae Variant Classification Sherloc (09022015). Collection method: clinical testing. Allele origin: germline.

NM_000057.4(BLM):c.2385T>G (p.Asp795Glu)

Gene: BLM (BLM RecQ like helicase; plus strand). Cytogenetic location: 15q26.1.
Variant type: single nucleotide variant.
Coding change: c.2385T>G on transcript NM_000057.4 (MANE Select); coding-DNA position 2385, T replaced by G.
Protein change: p.Asp795Glu; replaces aspartic acid 795 with glutamic acid.
Molecular consequence: missense variant.
Genome position (GRCh38, 1-based): chr15:90,769,210, T>G. VCF-style: chr15-90769210-T-G. GRCh37 (hg19) VCF-style: chr15-91312440-T-G.
Other names: c.2385T>G, p.Asp795Glu (NM_001287246.2, NM_001287247.2); c.1260T>G, p.Asp420Glu (NM_001287248.2); short protein forms D420E, D795E.
Identifiers: ClinVar variation 3480774 (VCV003480774.3).